The following is an entry in ClinVar:

NM_001161352.2(KCNMA1):c.2170A>C (p.Met724Leu)

Gene: KCNMA1 (potassium calcium-activated channel subfamily M alpha 1; minus strand). Cytogenetic location: 10q22.3.
Variant type: single nucleotide variant.
Coding change: c.2170A>C on transcript NM_001161352.2 (MANE Select); coding-DNA position 2170, A replaced by C.
Protein change: p.Met724Leu; replaces methionine 724 with leucine.
Molecular consequence: missense variant. On other transcripts: intron variant (13).
Genome position (GRCh38, 1-based): chr10:77,001,503, T>G on the plus strand (A>C on the coding strand, the complement: KCNMA1 is on the minus strand). VCF-style: chr10-77001503-T-G. GRCh37 (hg19) VCF-style: chr10-78761261-T-G.
Other names: c.1942+10464A>C (NM_001271518.2); c.2092+10464A>C (NM_001322832.2, NM_001410940.1, NM_002247.4 and 1 more transcripts); c.2101+6682A>C (NM_001322829.2, NM_001322836.2, NM_001271519.2); c.2104+10464A>C (NM_001014797.3, NM_001322835.2, NM_001322837.2); c.2113+6682A>C (NM_001322830.2); c.1552+10464A>C (NM_001322838.2); short protein forms M724L.
Identifiers: ClinVar variation 3377565 (VCV003377565.1).
Genomic context (GRCh38, chr10:77,001,503, plus strand): 5'-CAGAAGAAAGTGGGAAGGCTCTCTCAAGGGTGTCCACGTTACCACGCACACGGCCTGACA[T>G]GCATGAGCAGTCACGCTCAGAACGTCCGCAATCAAAACAACATGCCCGTCTCATTCTCTT-3'
Protein context (NP_001154824.1, residues 714-734): CGRSERDCSC[Met724Leu]SGRVRGNVDT

ClinVar aggregate classification (germline): Uncertain significance (1 of 4 stars; one submission).

Conditions:
Generalized epilepsy-paroxysmal dyskinesia syndrome (PNKD3). Also called: Generalized epilepsy and paroxysmal dyskinesia; Paroxysmal nonkinesigenic dyskinesia, 3, with or without generalized epilepsy. Identifiers: Orphanet 79137, MedGen C5574945, MONDO:0012276, OMIM 609446.

Submission:

Neuberg Centre For Genomic Medicine, NCGM
Classification: Uncertain significance for Generalized epilepsy-paroxysmal dyskinesia syndrome. Last evaluated: 2023-06-22. Review status: criteria provided, single submitter. Criteria: ACMG Guidelines, 2015. Collection method: clinical testing. Allele origin: germline. Inheritance: Autosomal dominant inheritance. Affected: yes.
Comment: The missense c.2170A>C (p.Met724Leu) variant in the KCNMA1 gene has not been reported previously as a pathogenic variant nor as a benign variant, to our knowledge. This variant is absent in the gnomAD Exomes. The amino acid Methionine at position 724 is changed to a Leucine changing protein sequence and it might alter its composition and physico-chemical properties. Computational evidence (Polyphen - Benign, SIFT - Tolerated and MutationTaster - Disease causing) predicts conflicting evidence on protein structure and function for this variant. The amino acid Methionine in KCNMA1 is predicted as conserved by GERP++ and PhyloP across 100 vertebrates. For these reasons, this variant has been classified as Uncertain Significance.